The following is an entry in ClinVar:

NM_000260.4(MYO7A):c.736-3C>T

Gene: MYO7A (myosin VIIA; plus strand). Cytogenetic location: 11q13.5.
Variant type: single nucleotide variant.
Coding change: c.736-3C>T on transcript NM_000260.4 (MANE Select); 3 bases into the intron before coding-DNA position 736, C replaced by T.
Molecular consequence: intron variant.
Genome position (GRCh38, 1-based): chr11:77,157,276, C>T. VCF-style: chr11-77157276-C-T. GRCh37 (hg19) VCF-style: chr11-76868322-C-T.
Other names: c.703-3C>T (NM_001369365.1); c.736-3C>T (NM_001127180.2).
Identifiers: ClinVar variation 554132 (VCV000554132.4), dbSNP rs1555063792, ClinGen allele CA600343228.

ClinVar aggregate classification (germline): Uncertain significance. Review status: criteria provided, multiple submitters, no conflicts (2 of 4 stars). 3 submissions from 3 submitters: Uncertain significance (2). 1 of the submissions does not count toward it. Last evaluated 2024-10-14.

Conditions:
Autosomal recessive nonsyndromic hearing loss 2. Also called: NEUROSENSORY NONSYNDROMIC RECESSIVE DEAFNESS 2; DEAFNESS, AUTOSOMAL RECESSIVE 2. Identifiers: Orphanet 90636, MedGen C1838701, MONDO:0010807, OMIM 600060.
Usher syndrome type 1 (USH1). Also called: RETINITIS PIGMENTOSA AND CONGENITAL DEAFNESS. Identifiers: Orphanet 231169, Orphanet 886, MedGen C1568247, MONDO:0010168, OMIM 276900.

Allele frequency attached by ClinVar (database versions not stated): gnomAD exomes below 0.00001.
gnomAD v4.1: 2 of 1,602,100 alleles (0.00012%); highest among the groups gnomAD compares: Non-Finnish European, 0.000085%; no homozygotes.

Submissions (3):

Women's Health and Genetics/Laboratory Corporation of America, LabCorp
Classification: Uncertain significance. Last evaluated: 2024-10-14. Review status: criteria provided, single submitter. Criteria: LabCorp Variant Classification Summary - May 2015. Collection method: clinical testing. Allele origin: germline.
Comment: Variant summary: MYO7A c.736-3C>T alters a conserved nucleotide located close to a canonical splice site and therefore could affect mRNA splicing, leading to a significantly altered protein sequence. Consensus agreement among computation tools predict no significant impact on normal splicing. However, these predictions have yet to be confirmed by functional studies. The frequency data for this variant in gnomAD is considered unreliable, as metrics indicate poor data quality at this position. c.736-3C>T has been reported in the literature in individuals affected with Usher Syndrome. These report(s) do not provide unequivocal conclusions about association of the variant with Usher Syndrome. To our knowledge, no experimental evidence demonstrating an impact on protein function has been reported. The following publications have been ascertained in the context of this evaluation (PMID: 16963483, 8900236). ClinVar contains an entry for this variant (Variation ID: 554132). Based on the evidence outlined above, the variant was classified as uncertain significance.

Blueprint Genetics
Classification: Uncertain significance. Last evaluated: 2018-06-06. Review status: criteria provided, single submitter. Criteria: ACMG Guidelines, 2015. Collection method: clinical testing. Allele origin: germline.

Counsyl
Classification: Uncertain significance for Usher syndrome type 1; Autosomal recessive nonsyndromic hearing loss 2. Last evaluated: 2017-09-26. Review status: no assertion criteria provided. Collection method: clinical testing. Allele origin: unknown. Not counted in ClinVar's aggregate classification.

Literature cited by the submitters: PubMed 16963483 (cited by Women's Health and Genetics/Laboratory Corporation of America, LabCorp and Counsyl); PubMed 8900236 (cited by Women's Health and Genetics/Laboratory Corporation of America, LabCorp and Counsyl).